The following is an entry in ClinVar:

NM_001394062.1(MACF1):c.20910C>A (p.His6970Gln)

Gene: MACF1 (microtubule actin crosslinking factor 1; plus strand). Cytogenetic location: 1p34.3.
Variant type: single nucleotide variant.
Coding change: c.20910C>A on transcript NM_001394062.1 (MANE Select); coding-DNA position 20910, C replaced by A.
Protein change: p.His6970Gln; replaces histidine 6970 with glutamine.
Molecular consequence: missense variant.
Genome position (GRCh38, 1-based): chr1:39,454,932, C>A. VCF-style: chr1-39454932-C-A. GRCh37 (hg19) VCF-style: chr1-39920604-C-A.
Other names: c.14733C>A, p.His4911Gln (NM_012090.5); short protein forms H4911Q, H6970Q.
Identifiers: ClinVar variation 1030223 (VCV001030223.1), dbSNP rs1644407465, ClinGen allele CA339765451.

ClinVar aggregate classification (germline): Uncertain significance (1 of 4 stars; one submission).

Conditions:
Lissencephaly 9 with complex brainstem malformation. Identifiers: Orphanet 572013, MedGen C5193029, MONDO:0032677, OMIM 618325.

Submission:

Baylor Genetics
Classification: Uncertain significance for Lissencephaly 9 with complex brainstem malformation. Last evaluated: 2020-02-17. Review status: criteria provided, single submitter. Criteria: ACMG Guidelines, 2015. Collection method: clinical testing. Allele origin: unknown. Affected: yes.
Comment: This variant was determined to be of uncertain significance according to ACMG Guidelines, 2015 [PMID:25741868].